The following is an entry in ClinVar:

NM_000257.4(MYH7):c.3495G>A (p.Lys1165=)

Gene: MYH7 (myosin heavy chain 7; minus strand). Cytogenetic location: 14q11.2.
Variant type: single nucleotide variant.
Coding change: c.3495G>A on transcript NM_000257.4 (MANE Select); coding-DNA position 3495, G replaced by A.
Protein change: p.Lys1165=; no amino-acid change (lysine 1165 retained).
Molecular consequence: synonymous variant.
Genome position (GRCh38, 1-based): chr14:23,420,076, C>T on the plus strand (G>A on the coding strand, the complement: MYH7 is on the minus strand). VCF-style: chr14-23420076-C-T. GRCh37 (hg19) VCF-style: chr14-23889285-C-T.
Other names: c.3495G>A, p.Lys1165= (NM_001407004.1).
Identifiers: ClinVar variation 2724718 (VCV002724718.5), dbSNP rs1398447220, ClinGen allele CA485621133.
Genomic context (GRCh38, chr14:23,420,076, plus strand): 5'-GTGCTGCAGCGTGGCCTCCTCCAGGTCCCGCCGCATCTTCTGGAACTCGGCCTCGCGCTT[C>T]TTGTTCATCTCGATCTGCACGGACGTGGCCCCGCCGGCCTCTTCCAGCCGCTCGCTGATC-3'
Protein context (NP_000248.2, residues 1155-1175): GATSVQIEMN[Lys1165=]KREAEFQKMR

ClinVar aggregate classification (germline): Likely benign. Review status: criteria provided, multiple submitters, no conflicts (2 of 4 stars). 2 submissions from 2 submitters: Likely benign (2). Last evaluated 2024-07-29.

Conditions:
Hypertrophic cardiomyopathy. Also called: HYPERTROPHIC MYOCARDIOPATHY. Identifiers: Orphanet 217569, MedGen C0007194, MeSH D002312, MONDO:0005045, HP:0001639.
Cardiomyopathy (CMYO). Also called: Cardiomyopathies. Identifiers: Orphanet 167848, MedGen C0878544, MONDO:0004994, HP:0001638. Inheritance: Various modes of inheritance.

Allele frequency attached by ClinVar (database versions not stated): gnomAD 0.00001.
gnomAD v4.1: 3 of 1,596,062 alleles (0.00019%); highest among the groups gnomAD compares: African/African-American, 0.0013%; no homozygotes.

Submissions (2):

All of Us Research Program, National Institutes of Health
Classification: Likely benign for Cardiomyopathy. Last evaluated: 2024-07-29. Review status: criteria provided, single submitter. Criteria: ACMG Guidelines, 2015. Collection method: clinical testing. Allele origin: germline. Inheritance: Autosomal dominant inheritance. Observed: 2 variant alleles, 2 heterozygotes.
Comment: This study involves interpretation of variants in research participants for the purpose of population health screening. Participant phenotype was not available at the time of variant classification. Additional details can be found in publication PMID: 35346344, PMCID: PMC8962531

Labcorp Genetics (formerly Invitae), Labcorp
Classification: Likely benign for Hypertrophic cardiomyopathy. Last evaluated: 2023-03-22. Review status: criteria provided, single submitter. Criteria: Invitae Variant Classification Sherloc (09022015). Collection method: clinical testing. Allele origin: germline.